The following is an entry in ClinVar:

ClinVar aggregate classification (germline): Uncertain significance (1 of 4 stars; one submission).

Allele frequency attached by ClinVar (database versions not stated): TOPMed below 0.00001.

Submission:

Labcorp Genetics (formerly Invitae), Labcorp
Classification: Uncertain significance. Last evaluated: 2024-01-29. Review status: criteria provided, single submitter. Criteria: Invitae Variant Classification Sherloc (09022015). Collection method: clinical testing. Allele origin: germline.
Comment: This sequence change replaces glutamine, which is neutral and polar, with histidine, which is basic and polar, at codon 2203 of the TRIOBP protein (p.Gln2203His). This variant is not present in population databases (gnomAD no frequency). This variant has not been reported in the literature in individuals affected with TRIOBP-related conditions. An algorithm developed to predict the effect of missense changes on protein structure and function (PolyPhen-2) suggests that this variant is likely to be disruptive. In summary, the available evidence is currently insufficient to determine the role of this variant in disease. Therefore, it has been classified as a Variant of Uncertain Significance.

NM_001039141.3(TRIOBP):c.6609G>C (p.Gln2203His)

Gene: TRIOBP (TRIO and F-actin binding protein; plus strand). Cytogenetic location: 22q13.1.
Variant type: single nucleotide variant.
Coding change: c.6609G>C on transcript NM_001039141.3 (MANE Select); coding-DNA position 6609, G replaced by C.
Protein change: p.Gln2203His; replaces glutamine 2203 with histidine.
Molecular consequence: missense variant.
Genome position (GRCh38, 1-based): chr22:37,769,061, G>C. VCF-style: chr22-37769061-G-C. GRCh37 (hg19) VCF-style: chr22-38165068-G-C.
Other names: c.1470G>C, p.Gln490His (NM_007032.5); short protein forms Q2203H, Q490H.
Identifiers: ClinVar variation 2986613 (VCV002986613.3), dbSNP rs1926634546, ClinGen allele CA411510786.